The following is an entry in ClinVar:

NM_001371986.1(UNC80):c.7574T>C (p.Leu2525Pro)

Gene: UNC80 (unc-80 homolog, NALCN channel complex subunit; plus strand). Cytogenetic location: 2q34.
Variant type: single nucleotide variant.
Coding change: c.7574T>C on transcript NM_001371986.1 (MANE Select); coding-DNA position 7574, T replaced by C.
Protein change: p.Leu2525Pro; replaces leucine 2525 with proline.
Molecular consequence: missense variant.
Genome position (GRCh38, 1-based): chr2:209,959,142, T>C. VCF-style: chr2-209959142-T-C. GRCh37 (hg19) VCF-style: chr2-210823866-T-C.
Other names: c.7376T>C, p.Leu2459Pro (NM_032504.2); c.7361T>C, p.Leu2454Pro (NM_182587.4); short protein forms L2459P, L2525P, L2454P.
Identifiers: ClinVar variation 1369597 (VCV001369597.6), dbSNP rs999246316, ClinGen allele CA350776552.
Genomic context (GRCh38, chr2:209,959,142, plus strand): 5'-CTCTAATAGTTATGTAGACTGTTTTTCTGACTCCCAGGTACCAGGAACAAGGAGCCAAAC[T>C]GCACTTTATCAGGTACAGAAAGACTTGCTCTAATTTCATACCAGTTCTGACATCTTGAGA-3'
Protein context (NP_001358915.1, residues 2515-2535): NTRYQEQGAK[Leu2525Pro]HFIRENLHLL

ClinVar aggregate classification (germline): Uncertain significance (1 of 4 stars; one submission).

Allele frequency attached by ClinVar (database versions not stated): gnomAD exomes below 0.00001 and 0.00001.
gnomAD v4.1: 2 of 1,552,120 alleles (0.00013%); highest among the groups gnomAD compares: Admixed American, 0.0039%; no homozygotes.

Submission:

Labcorp Genetics (formerly Invitae), Labcorp
Classification: Uncertain significance. Last evaluated: 2023-04-14. Review status: criteria provided, single submitter. Criteria: Invitae Variant Classification Sherloc (09022015). Collection method: clinical testing. Allele origin: germline.
Comment: In summary, the available evidence is currently insufficient to determine the role of this variant in disease. Therefore, it has been classified as a Variant of Uncertain Significance. An algorithm developed to predict the effect of missense changes on protein structure and function (PolyPhen-2) suggests that this variant is likely to be disruptive. ClinVar contains an entry for this variant (Variation ID: 1369597). This variant has not been reported in the literature in individuals affected with UNC80-related conditions. This variant is present in population databases (no rsID available, gnomAD 0.008%). This sequence change replaces leucine, which is neutral and non-polar, with proline, which is neutral and non-polar, at codon 2459 of the UNC80 protein (p.Leu2459Pro).